The following is an entry in ClinVar:

ClinVar aggregate classification (germline): Benign/Likely benign. Review status: criteria provided, multiple submitters, no conflicts (2 of 4 stars). 11 submissions from 11 submitters: Benign (6); Likely benign (3). 2 of the submissions do not count toward it. Last evaluated 2026-02-04.

Conditions:
ABCA4-related disorder. Also called: ABCA4-related condition; ABCA4-related disorders. Identifiers: MedGen CN239167.
Cone-rod dystrophy 3 (CORD3). Identifiers: Orphanet 1872, MedGen C1858806, MONDO:0011395, OMIM 604116.
Age related macular degeneration 2. Also called: MACULAR DEGENERATION, SENILE; MACULOPATHY, AGE-RELATED, 2; MACULOPATHY, AGE-RELATED. Identifiers: MedGen C3495438, MONDO:0007932, OMIM 153800.
Retinitis pigmentosa 19 (RP19). Also called: ABCA4-Related Retinitis Pigmentosa. Identifiers: Orphanet 791, MedGen C1866422, MONDO:0011137, OMIM 601718.
Severe early-childhood-onset retinal dystrophy (STGD1). Also called: MACULAR DYSTROPHY WITH FLECKS, TYPE 1; STGD; Stargardt disease 1; Stargardt macular dystrophy; Juvenile onset macular degeneration. Identifiers: Orphanet 364055, Orphanet 827, MedGen C1855465, MeSH D000080362, MONDO:0009549, OMIM 248200.

Allele frequency attached by ClinVar (database versions not stated): TOPMed 0.13924; gnomAD exomes 0.06601 and 0.07660; ExAC 0.08091; ESP Exome Variant Server 0.14593; gnomAD 0.12695 and 0.13306; 1000 Genomes Project 0.13399; 1000 Genomes Project 30x 0.13335.
gnomAD v4.1: 117,016 of 1,614,088 alleles (7.2%); highest among the groups gnomAD compares: African/African-American, 30%; 6,526 homozygotes.

Submissions (11):

Labcorp Genetics (formerly Invitae), Labcorp
Classification: Benign. Last evaluated: 2026-02-04. Review status: criteria provided, single submitter. Criteria: Invitae Variant Classification Sherloc (09022015). Collection method: clinical testing. Allele origin: germline.

Blueprint Genetics
Classification: Likely benign. Last evaluated: 2024-11-26. Review status: criteria provided, single submitter. Criteria: ACMG Guidelines, 2015. Collection method: clinical testing. Allele origin: germline.

ARUP Laboratories, Molecular Genetics and Genomics, ARUP Laboratories
Classification: Benign. Last evaluated: 2023-11-29. Review status: criteria provided, single submitter. Criteria: ARUP Molecular Germline Variant Investigation Process 2024. Collection method: clinical testing. Allele origin: germline.

Fulgent Genetics
Classification: Benign for Age related macular degeneration 2; Severe early-childhood-onset retinal dystrophy; Retinitis pigmentosa 19; Cone-rod dystrophy 3. Last evaluated: 2021-07-15. Review status: criteria provided, single submitter. Criteria: ACMG Guidelines, 2015. Collection method: clinical testing. Allele origin: unknown.

Illumina Laboratory Services, Illumina
Classification: Likely benign for ABCA4-Related Disorders. Last evaluated: 2017-04-27. Review status: criteria provided, single submitter. Criteria: ICSL Variant Classification Criteria 13 December 2019. Collection method: clinical testing. Allele origin: germline.
Comment: This variant was observed as part of a predisposition screen in an ostensibly healthy population. A literature search was performed for the gene, cDNA change, and amino acid change (where applicable). No publications were found based on this search. Allele frequency data from public databases allowed determination this variant is unlikely to cause disease. Therefore, this variant is classified as likely benign.

Eurofins Ntd Llc (ga)
Classification: Benign. Last evaluated: 2014-05-22. Review status: criteria provided, single submitter. Criteria: EGL Classification Definitions 2015. Collection method: clinical testing. Allele origin: germline. Observed: 4 variant alleles, 4 heterozygotes.

GeneDx
Classification: Benign. Last evaluated: 2011-07-05. Review status: criteria provided, single submitter. Criteria: GeneDx Variant Classification (06012015). Collection method: clinical testing. Allele origin: germline. Affected: yes.
Comment: This variant is considered likely benign or benign based on one or more of the following criteria: it is a conservative change, it occurs at a poorly conserved position in the protein, it is predicted to be benign by multiple in silico algorithms, and/or has population frequency not consistent with disease.

Breakthrough Genomics
Classification: Likely benign. Review status: criteria provided, single submitter. Criteria: ACMG Guidelines, 2015. Collection method: not provided. Allele origin: germline. Inheritance: Autosomal recessive inheritance. Affected: yes.

PreventionGenetics, part of Exact Sciences
Classification: Benign. Review status: criteria provided, single submitter. Criteria: ACMG Guidelines, 2015. Collection method: clinical testing. Allele origin: germline.

Department of Ophthalmology and Visual Sciences Kyoto University
Classification: Likely benign. Review status: no assertion criteria provided. Collection method: not provided. Allele origin: unknown. Not counted in ClinVar's aggregate classification.
ClinVar note: Converted during submission from probable-non-pathogenic to Likely benign.

Retina International
No classification provided. Review status: no classification provided. Collection method: not provided. Allele origin: unknown. Not counted in ClinVar's aggregate classification.

NM_000350.3(ABCA4):c.6282+7G>A

Gene: ABCA4 (ATP binding cassette subfamily A member 4; minus strand). Cytogenetic location: 1p22.1.
Variant type: single nucleotide variant.
Coding change: c.6282+7G>A on transcript NM_000350.3 (MANE Select); 7 bases into the intron after coding-DNA position 6282, G replaced by A.
Molecular consequence: intron variant.
Genome position (GRCh38, 1-based): chr1:94,001,851, C>T on the plus strand (G>A on the coding strand, the complement: ABCA4 is on the minus strand). VCF-style: chr1-94001851-C-T. GRCh37 (hg19) VCF-style: chr1-94467407-C-T.
Identifiers: ClinVar variation 99443 (VCV000099443.31), dbSNP rs17110761, ClinGen allele CA202926.
Genomic context (GRCh38, chr1:94,001,851, plus strand): 5'-TATTTCCCCAACCCAAGAGACCCAGCACTTGGTTTAAGCCCTTGGTGCGGCCCAAGCCCG[C>T]AGTTACCAGCAGCACCAGCGGTGGGCAGCCAATGAGTGCGATGGCTGTGGAGAGTTTCCG-3'